The following is an entry in ClinVar:

ClinVar aggregate classification (germline): Uncertain significance. Review status: criteria provided, multiple submitters, no conflicts (2 of 4 stars). 2 submissions from 2 submitters: Uncertain significance (2). Last evaluated 2024-07-01.

Conditions:
Hereditary nonpolyposis colorectal neoplasms. Identifiers: MedGen C0009405, MeSH D003123.
Hereditary cancer-predisposing syndrome. Also called: Tumor predisposition; Hereditary Cancer Syndrome; Neoplastic Syndromes, Hereditary; Hereditary neoplastic syndrome. Identifiers: Orphanet 140162, MedGen C0027672, MeSH D009386, MONDO:0015356.

Submissions (2):

Labcorp Genetics (formerly Invitae), Labcorp
Classification: Uncertain significance for Hereditary nonpolyposis colorectal neoplasms. Last evaluated: 2024-07-01. Review status: criteria provided, single submitter. Criteria: Invitae Variant Classification Sherloc (09022015). Collection method: clinical testing. Allele origin: germline.
Comment: This sequence change replaces isoleucine, which is neutral and non-polar, with valine, which is neutral and non-polar, at codon 278 of the MSH6 protein (p.Ile278Val). This variant is not present in population databases (gnomAD no frequency). This variant has not been reported in the literature in individuals affected with MSH6-related conditions. ClinVar contains an entry for this variant (Variation ID: 822301). Advanced modeling of protein sequence and biophysical properties (such as structural, functional, and spatial information, amino acid conservation, physicochemical variation, residue mobility, and thermodynamic stability) performed at Invitae indicates that this missense variant is not expected to disrupt MSH6 protein function with a negative predictive value of 95%. RNA analysis performed to evaluate the impact of this missense change on mRNA splicing indicates it does not significantly alter splicing (Invitae). In summary, the available evidence is currently insufficient to determine the role of this variant in disease. Therefore, it has been classified as a Variant of Uncertain Significance.

Ambry Genetics
Classification: Uncertain significance for Hereditary cancer-predisposing syndrome. Last evaluated: 2023-04-27. Review status: criteria provided, single submitter. Criteria: Ambry Variant Classification Scheme 2023. Collection method: clinical testing. Allele origin: germline.
Comment: The p.I278V variant (also known as c.832A>G), located in coding exon 4 of the MSH6 gene, results from an A to G substitution at nucleotide position 832. The isoleucine at codon 278 is replaced by valine, an amino acid with highly similar properties. This amino acid position is not well conserved in available vertebrate species. In addition, this alteration is predicted to be tolerated by in silico analysis. Since supporting evidence is limited at this time, the clinical significance of this alteration remains unclear.

NM_000179.3(MSH6):c.832A>G (p.Ile278Val)

Gene: MSH6 (mutS homolog 6; plus strand). Cytogenetic location: 2p16.3.
Variant type: single nucleotide variant.
Coding change: c.832A>G on transcript NM_000179.3 (MANE Select); coding-DNA position 832, A replaced by G.
Protein change: p.Ile278Val; replaces isoleucine 278 with valine.
Molecular consequence: missense variant. On other transcripts: 5 prime UTR variant (2).
Genome position (GRCh38, 1-based): chr2:47,798,815, A>G. VCF-style: chr2-47798815-A-G. GRCh37 (hg19) VCF-style: chr2-48025954-A-G.
Other names: c.442A>G, p.Ile148Val (NM_001281492.2); c.-75A>G (NM_001281493.2, NM_001281494.2); short protein forms I278V, I148V.
Identifiers: ClinVar variation 822301 (VCV000822301.11), dbSNP rs1572720474, ClinGen allele CA346740474.